The following is an entry in ClinVar:

ClinVar aggregate classification (germline): Likely benign (1 of 4 stars; one submission).

Conditions:
Short stature due to growth hormone secretagogue receptor deficiency (GHDP). Also called: Short stature due to GHSR deficiency. Identifiers: Orphanet 314811, MedGen C5887324, MONDO:0014403, OMIM 615925.

Allele frequency attached by ClinVar (database versions not stated): 1000 Genomes Project 0.00100; 1000 Genomes Project 30x 0.00156; TOPMed 0.00269; gnomAD 0.00368 and 0.00397.

Submission:

Illumina Laboratory Services, Illumina
Classification: Likely benign for Short stature due to growth hormone secretagogue receptor deficiency. Last evaluated: 2018-01-12. Review status: criteria provided, single submitter. Criteria: ICSL Variant Classification Criteria 13 December 2019. Collection method: clinical testing. Allele origin: germline.
Comment: This variant was observed in the ICSL laboratory as part of a predisposition screen in an ostensibly healthy population. It had not been previously curated by ICSL or reported in the Human Gene Mutation Database (HGMD: prior to June 1st, 2018), and was therefore a candidate for classification through an automated scoring system. Utilizing variant allele frequency, disease prevalence and penetrance estimates, and inheritance mode, an automated score was calculated to assess if this variant is too frequent to cause the disease. Based on the score and internal cut-off values, a variant classified as likely benign is not then subjected to further curation. The score for this variant resulted in a classification of likely benign for this disease.

NM_198407.2(GHSR):c.*829C>A

Gene: GHSR (growth hormone secretagogue receptor; minus strand). Cytogenetic location: 3q26.31.
Variant type: single nucleotide variant.
Coding change: c.*829C>A on transcript NM_198407.2 (MANE Select); 829 bases downstream of the stop codon, C replaced by A.
Molecular consequence: 3 prime UTR variant.
Genome position (GRCh38, 1-based): chr3:172,444,332, G>T on the plus strand (C>A on the coding strand, the complement: GHSR is on the minus strand). VCF-style: chr3-172444332-G-T. GRCh37 (hg19) VCF-style: chr3-172162122-G-T.
Identifiers: ClinVar variation 344187 (VCV000344187.5), dbSNP rs535110477, ClinGen allele CA10618009.